The following is an entry in ClinVar:

NM_024675.4(PALB2):c.1659C>T (p.His553=)

Gene: PALB2 (partner and localizer of BRCA2; minus strand). Cytogenetic location: 16p12.2.
Variant type: single nucleotide variant.
Coding change: c.1659C>T on transcript NM_024675.4 (MANE Select); coding-DNA position 1659, C replaced by T.
Protein change: p.His553=; no amino-acid change (histidine 553 retained).
Molecular consequence: synonymous variant.
Genome position (GRCh38, 1-based): chr16:23,634,887, G>A on the plus strand (C>T on the coding strand, the complement: PALB2 is on the minus strand). VCF-style: chr16-23634887-G-A. GRCh37 (hg19) VCF-style: chr16-23646208-G-A.
Identifiers: ClinVar variation 386502 (VCV000386502.20), dbSNP rs370318597, ClinGen allele CA16607217.
Genomic context (GRCh38, chr16:23,634,887, plus strand): 5'-TCATCATCATCATCATCAAACACATCTTGATTTACCTTTCACTTGAATAAATAATTTTTC[G>A]TGCTGATATTTGTGTGAGGTGACTTCTTCCTTGGACCTGTTAACAATCGACAGGCTAGAA-3'
Protein context (NP_078951.2, residues 543-563): KEEVTSHKYQ[His553=]EKLFIQVKGK

ClinVar aggregate classification (germline): Benign/Likely benign. Review status: criteria provided, multiple submitters, no conflicts (2 of 4 stars). 5 submissions from 5 submitters: Benign (1); Likely benign (4). Last evaluated 2026-01-21.

Conditions:
Familial cancer of breast. Also called: hereditary breast carcinoma; Hereditary breast cancer; BREAST CANCER, FAMILIAL. Identifiers: Orphanet 227535, MedGen C0346153, MONDO:0016419, OMIM 114480. Disease mechanism: loss of function.
Hereditary cancer-predisposing syndrome. Also called: Hereditary Cancer Syndrome; Hereditary neoplastic syndrome; Neoplastic Syndromes, Hereditary; Tumor predisposition. Identifiers: Orphanet 140162, MedGen C0027672, MeSH D009386, MONDO:0015356.

Allele frequency attached by ClinVar (database versions not stated): TOPMed 0.00001.
gnomAD v4.1: 5 of 1,613,772 alleles (0.00031%); highest among the groups gnomAD compares: Admixed American, 0.0017%; no homozygotes.

Submissions (5):

Labcorp Genetics (formerly Invitae), Labcorp
Classification: Likely benign for Familial cancer of breast. Last evaluated: 2026-01-21. Review status: criteria provided, single submitter. Criteria: Invitae Variant Classification Sherloc (09022015). Collection method: clinical testing. Allele origin: germline.

Myriad Genetics, Inc.
Classification: Benign for Familial cancer of breast. Last evaluated: 2025-01-14. Review status: criteria provided, single submitter. Criteria: Myriad Autosomal Dominant, Autosomal Recessive and X-Linked Classification Criteria (2023). Collection method: clinical testing. Allele origin: unknown.
Comment: This variant is considered benign. This variant is a silent/synonymous amino acid change and it is not expected to impact splicing.

Color Diagnostics, LLC DBA Color Health
Classification: Likely benign for Hereditary cancer-predisposing syndrome. Last evaluated: 2017-10-09. Review status: criteria provided, single submitter. Criteria: ACMG Guidelines, 2015. Collection method: clinical testing. Allele origin: germline.

Ambry Genetics
Classification: Likely benign for Hereditary cancer-predisposing syndrome. Last evaluated: 2016-08-01. Review status: criteria provided, single submitter. Criteria: Ambry Variant Classification Scheme 2023. Collection method: clinical testing. Allele origin: germline.

GeneDx
Classification: Likely benign. Last evaluated: 2016-05-20. Review status: criteria provided, single submitter. Criteria: GeneDx Variant Classification (06012015). Collection method: clinical testing. Allele origin: germline. Affected: yes.
Comment: This variant is considered likely benign or benign based on one or more of the following criteria: it is a conservative change, it occurs at a poorly conserved position in the protein, it is predicted to be benign by multiple in silico algorithms, and/or has population frequency not consistent with disease.